The following is an entry in ClinVar:

ClinVar aggregate classification (germline): Uncertain significance. Review status: criteria provided, multiple submitters, no conflicts (2 of 4 stars). 2 submissions from 2 submitters: Uncertain significance (2). Last evaluated 2023-10-05.

Conditions:
Inborn genetic diseases. Identifiers: MedGen C0950123, MeSH D030342.

Allele frequency attached by ClinVar (database versions not stated): TOPMed below 0.00001; gnomAD 0.00002; gnomAD exomes 0.00005 and 0.00014; ExAC 0.00013; 1000 Genomes Project 30x 0.00016; 1000 Genomes Project 0.00020.
gnomAD v4.1: 80 of 1,602,544 alleles (0.005%); highest among the groups gnomAD compares: South Asian, 0.083%; 1 homozygote.

Submissions (2):

Ambry Genetics
Classification: Uncertain significance for Inborn genetic diseases. Last evaluated: 2023-10-05. Review status: criteria provided, single submitter. Criteria: Ambry Variant Classification Scheme 2023. Collection method: clinical testing. Allele origin: germline.

Labcorp Genetics (formerly Invitae), Labcorp
Classification: Uncertain significance. Last evaluated: 2022-06-20. Review status: criteria provided, single submitter. Criteria: Invitae Variant Classification Sherloc (09022015). Collection method: clinical testing. Allele origin: germline.
Comment: In summary, the available evidence is currently insufficient to determine the role of this variant in disease. Therefore, it has been classified as a Variant of Uncertain Significance. Algorithms developed to predict the effect of missense changes on protein structure and function are either unavailable or do not agree on the potential impact of this missense change (SIFT: "Deleterious"; PolyPhen-2: "Benign"; Align-GVGD: "Class C45"). This variant has not been reported in the literature in individuals affected with CENPF-related conditions. This variant is present in population databases (rs571413789, gnomAD 0.1%). This sequence change replaces glutamine, which is neutral and polar, with lysine, which is basic and polar, at codon 974 of the CENPF protein (p.Gln974Lys).

NM_016343.4(CENPF):c.2920C>A (p.Gln974Lys)

Gene: CENPF (centromere protein F; plus strand). Cytogenetic location: 1q41.
Variant type: single nucleotide variant.
Coding change: c.2920C>A on transcript NM_016343.4 (MANE Select); coding-DNA position 2920, C replaced by A.
Protein change: p.Gln974Lys; replaces glutamine 974 with lysine.
Molecular consequence: missense variant.
Genome position (GRCh38, 1-based): chr1:214,641,258, C>A. VCF-style: chr1-214641258-C-A. GRCh37 (hg19) VCF-style: chr1-214814601-C-A.
Other names: c.2920C>A (NM_016343.3); short protein forms Q974K.
Identifiers: ClinVar variation 1385478 (VCV001385478.9), dbSNP rs571413789, ClinGen allele CA1390324.